The following is an entry in ClinVar:

ClinVar aggregate classification (germline): Pathogenic (1 of 4 stars; one submission).

Conditions:
Bardet-Biedl syndrome (BBS). Identifiers: Orphanet 110, MedGen C0752166, MONDO:0015229.

Submission:

Labcorp Genetics (formerly Invitae), Labcorp
Classification: Pathogenic for Bardet-Biedl syndrome. Last evaluated: 2020-02-19. Review status: criteria provided, single submitter. Criteria: Invitae Variant Classification Sherloc (09022015). Collection method: clinical testing. Allele origin: germline.
Comment: For these reasons, this variant has been classified as Pathogenic. This variant disrupts the C-terminus of the TRIM32 protein. Other variant(s) that disrupt this region (p.Gly562Valfs*61) have been determined to be pathogenic (Invitae). This suggests that variants that disrupt this region of the protein are likely to be causative of disease. Algorithms developed to predict the effect of sequence changes on RNA splicing suggest that this variant may create or strengthen a splice site, but this prediction has not been confirmed by published transcriptional studies. This variant has not been reported in the literature in individuals with TRIM32-related conditions. This variant is not present in population databases (ExAC no frequency). This sequence change results in a premature translational stop signal in the TRIM32 gene (p.Tyr181*). While this is not anticipated to result in nonsense mediated decay, it is expected to disrupt the last 473 amino acids of the TRIM32 protein.

NM_012210.4(TRIM32):c.542_543insAAAGGTA (p.Tyr181Ter)

Genes: ASTN2 (astrotactin 2; minus strand), TRIM32 (tripartite motif containing 32; plus strand). Cytogenetic location: 9q33.1.
Variant type: Insertion.
Coding change: c.542_543insAAAGGTA on transcript NM_012210.4 (MANE Select); coding-DNA positions 542 to 543, AAAGGTA inserted.
Protein change: p.Tyr181Ter; replaces tyrosine 181 with a stop codon.
Molecular consequence: nonsense. On other transcripts: intron variant (3).
Genome position: GRCh38 VCF-style: chr9-116698278-C-CAAGGTAA. GRCh37 (hg19) VCF-style: chr9-119460557-C-CAAGGTAA.
Other names: c.542_543insAAAGGTA, p.Tyr181Ter (NM_001379049.1, NM_001099679.2, NM_001379048.1 and 1 more transcripts); c.2794+27492_2794+27493insTACCTTT (NM_001365069.1); c.2806+27492_2806+27493insTACCTTT (NM_001365068.1); c.2653+27492_2653+27493insTACCTTT (NM_014010.5); short protein forms Y181*.
Identifiers: ClinVar variation 1076771 (VCV001076771.9), dbSNP rs2132072043, ClinGen allele CA2499219603.